The following is an entry in ClinVar:

NM_000059.4(BRCA2):c.9269dup (p.Val3091fs)

Gene: BRCA2 (BRCA2 DNA repair associated; plus strand). Cytogenetic location: 13q13.1.
Variant type: Duplication.
Coding change: c.9269dup on transcript NM_000059.4 (MANE Select); coding-DNA position 9269, one base duplicated (T; older notation c.9269dupT).
Protein change: p.Val3091fs; shifts the reading frame from valine 3091.
Molecular consequence: frameshift variant.
Genome position (GRCh38, 1-based): chr13:32,394,701, T duplicated; the last of 3 consecutive T bases (chr13:32,394,699-32,394,701); duplicating any one gives the same sequence. VCF-style (leftmost placement, unchanged base first): chr13-32394698-C-CT. GRCh37 (hg19) VCF-style: chr13-32968835-C-CT.
Other names: 9497insT; 9497_9498insT; c.9269dupT (NM_000059.3); short protein forms V3091fs.
Identifiers: ClinVar variation 52797 (VCV000052797.6), dbSNP rs80359753, ClinGen allele CA026074.
Genomic context (GRCh38, chr13:32,394,698, plus strand): 5'-ATTCATCTAACACATCTATAATAACATTCTTTTCTTTTTTTTCCATTCTAGGACTTGCCC[C>CT]TTTCGTCTATTTGTCAGACGAATGTTACAATTTACTGGCAATAAAGTTTTGGATAGACCT-3'

ClinVar aggregate classification (germline): Pathogenic. Review status: reviewed by expert panel (3 of 4 stars). 4 submissions from 4 submitters: Pathogenic (1). 3 of the submissions do not count toward it. Last evaluated 2016-04-22.

Conditions:
Hereditary breast ovarian cancer syndrome. Also called: Hereditary breast and ovarian cancer syndrome; Hereditary breast and ovarian cancer; Hereditary breast and ovarian cancer syndrome (HBOC); Breast and ovarian cancer; Hereditary breast and/or ovarian cancer syndrome; BRCA1- and BRCA2-Associated Hereditary Breast and Ovarian Cancer. Identifiers: Orphanet 145, MedGen C0677776, MeSH D061325, MONDO:0003582. Disease mechanism: loss of function.
Breast-ovarian cancer, familial, susceptibility to, 2 (BROVCA2). Also called: BRCA2 Hereditary Breast and Ovarian Cancer. Identifiers: Orphanet 145, MedGen C2675520, MONDO:0012933, OMIM 612555. Disease mechanism: loss of function.

Submissions (4):

Evidence-based Network for the Interpretation of Germline Mutant Alleles (ENIGMA)
Classification: Pathogenic for Breast-ovarian cancer, familial, susceptibility to, 2. Last evaluated: 2016-04-22. Review status: reviewed by expert panel. Criteria: ENIGMA BRCA1/2 Classification Criteria (2015). Collection method: curation. Allele origin: germline.
Comment: Variant allele predicted to encode a truncated non-functional protein.

Laboratory for Molecular Medicine, Mass General Brigham Personalized Medicine
Classification: Likely pathogenic for Hereditary breast ovarian cancer syndrome. Last evaluated: 2019-10-14. Review status: criteria provided, single submitter. Criteria: ACMG Guidelines, 2015. Collection method: clinical testing. Allele origin: germline. Not counted in ClinVar's aggregate classification.
Comment: The p.Val3091ArgfsX20 variant in BRCA2 has been reported in 1 individual with breast cancer (BIC database) and was absent from large population studies. This variant is predicted to cause a frameshift, which alters the protein’s amino acid sequence beginning at position 3091 and leads to a premature termination codon 20 amino acids downstream. This alteration is then predicted to lead to a truncated or absent protein. Loss of function of the BRCA2 gene is an established disease mechanism in autosomal dominant HBOC. Additionally, this variant was classified as Pathogenic on Apr 22, 2016 by the ClinGen-approved ENIGMA expert panel (Variation ID: 52797). In summary, although additional studies are required to fully establish its clinical significance, this variant meets criteria to be classified as likely pathogenic for autosomal dominant HBOC. ACMG/AMP Criteria applied: PVS1, PM2.

Consortium of Investigators of Modifiers of BRCA1/2 (CIMBA), c/o University of Cambridge
Classification: Pathogenic for Breast-ovarian cancer, familial, susceptibility to, 2. Last evaluated: 2015-10-02. Review status: criteria provided, single submitter. Criteria: CIMBA Mutation Classification guidelines May 2016. Collection method: clinical testing. Allele origin: germline. Not counted in ClinVar's aggregate classification.

Breast Cancer Information Core (BIC) (BRCA2)
Classification: Pathogenic for Breast-ovarian cancer, familial 2. Last evaluated: 2003-12-23. Review status: no assertion criteria provided. Collection method: clinical testing. Allele origin: germline. Affected: yes. Observed: 1 variant allele. Not counted in ClinVar's aggregate classification.